The following is an entry in ClinVar:

NM_006659.4(TUBGCP2):c.687C>T (p.Asp229=)

Genes: TUBGCP2 (tubulin gamma complex component 2; minus strand), LOC126861106 (P300/CBP strongly-dependent group 1 enhancer GRCh37_chr10:135106330-135107529; plus strand). Cytogenetic location: 10q26.3.
Variant type: single nucleotide variant.
Coding change: c.687C>T on transcript NM_006659.4 (MANE Select); coding-DNA position 687, C replaced by T.
Protein change: p.Asp229=; no amino-acid change (aspartic acid 229 retained).
Molecular consequence: synonymous variant. On other transcripts: non-coding transcript variant (1).
Genome position (GRCh38, 1-based): chr10:133,293,699, G>A on the plus strand (C>T on the coding strand, the complement: TUBGCP2 is on the minus strand). VCF-style: chr10-133293699-G-A. GRCh37 (hg19) VCF-style: chr10-135107203-G-A.
Other names: c.771C>T, p.Asp257= (NM_001256617.2); c.297C>T, p.Asp99= (NM_001256618.2).
Identifiers: ClinVar variation 2672422 (VCV002672422.24), dbSNP rs41283321, ClinGen allele CA5764388.

ClinVar aggregate classification (germline): Benign/Likely benign. Review status: criteria provided, multiple submitters, no conflicts (2 of 4 stars). 2 submissions from 2 submitters: Benign (1); Likely benign (1). Last evaluated 2024-10-10.

Allele frequency attached by ClinVar (database versions not stated): gnomAD exomes 0.00055; ExAC 0.00241; gnomAD 0.00367; 1000 Genomes Project 0.00439; ESP Exome Variant Server 0.00447; TOPMed 0.00447; 1000 Genomes Project 30x 0.00500.
gnomAD v4.1: 1,444 of 1,604,982 alleles (0.09%); highest among the groups gnomAD compares: African/African-American, 1.2%; 12 homozygotes.

Submissions (2):

Blueprint Genetics
Classification: Likely benign. Last evaluated: 2024-10-10. Review status: criteria provided, single submitter. Criteria: ACMG Guidelines, 2015. Collection method: clinical testing. Allele origin: germline.

CeGaT Center for Human Genetics Tuebingen
Classification: Benign. Last evaluated: 2023-11-01. Review status: criteria provided, single submitter. Criteria: CeGaT Center For Human Genetics Tuebingen Variant Classification Criteria Version 2. Collection method: clinical testing. Allele origin: germline. Affected: yes. Observed: 1 variant allele.
Comment: TUBGCP2: BP4, BP7, BS1, BS2